The following is an entry in ClinVar:

ClinVar aggregate classification (germline): Uncertain significance (1 of 4 stars; one submission).

Conditions:
Leigh syndrome (NULS). Also called: Leigh's necrotizing encephalopathy; Leigh's disease; Leigh Syndrome (mtDNA deletion); Leigh Disease; Subacute necrotizing encephalopathy; Necrotizing encephalopathy infantile subacute of Leigh. Identifiers: Orphanet 506, MedGen C2931891, MONDO:0009723, OMIM 256000.

Submission:

Wong Mito Lab, Molecular and Human Genetics, Baylor College of Medicine
Classification: Uncertain significance for Leigh syndrome. Last evaluated: 2019-10-17. Review status: criteria provided, single submitter. Criteria: Modified ACMG Guidelines (Unpublished). Collection method: clinical testing. Allele origin: germline.
Comment: The NC_012920.1:m.12561G>C (YP_003024036.1:p.Gln75His) variant in MTND5 gene is interpretated to be a Uncertain Significance variant based on the modified ACMG guidelines (unpublished). This variant meets the following evidence codes: PP7

NC_012920.1(MT-ND5):m.12561G>C

Gene: MT-ND5 (mitochondrially encoded NADH dehydrogenase 5; plus strand).
Variant type: single nucleotide variant.
Genome position: chrM-12561-G-C.
Identifiers: ClinVar variation 693465 (VCV000693465.1), dbSNP rs28759201, ClinGen allele CA414813765.